The following is an entry in ClinVar:

ClinVar aggregate classification (germline): Uncertain significance (1 of 4 stars; one submission).

Conditions:
Adams-Oliver syndrome 5 (AOS5). Identifiers: Orphanet 974, MedGen C4014970, MONDO:0014459, OMIM 616028.

Submission:

Labcorp Genetics (formerly Invitae), Labcorp
Classification: Uncertain significance for Adams-Oliver syndrome 5. Last evaluated: 2023-03-16. Review status: criteria provided, single submitter. Criteria: Invitae Variant Classification Sherloc (09022015). Collection method: clinical testing. Allele origin: germline.
Comment: This sequence change replaces glutamine, which is neutral and polar, with histidine, which is basic and polar, at codon 2343 of the NOTCH1 protein (p.Gln2343His). In summary, the available evidence is currently insufficient to determine the role of this variant in disease. Therefore, it has been classified as a Variant of Uncertain Significance. Advanced modeling of protein sequence and biophysical properties (such as structural, functional, and spatial information, amino acid conservation, physicochemical variation, residue mobility, and thermodynamic stability) performed at Invitae indicates that this missense variant is not expected to disrupt NOTCH1 protein function. This variant has not been reported in the literature in individuals affected with NOTCH1-related conditions. This variant is not present in population databases (gnomAD no frequency).

NM_017617.5(NOTCH1):c.7029G>C (p.Gln2343His)

Gene: NOTCH1 (notch receptor 1; minus strand). Cytogenetic location: 9q34.3.
Variant type: single nucleotide variant.
Coding change: c.7029G>C on transcript NM_017617.5 (MANE Select); coding-DNA position 7029, G replaced by C.
Protein change: p.Gln2343His; replaces glutamine 2343 with histidine.
Molecular consequence: missense variant.
Genome position (GRCh38, 1-based): chr9:136,496,710, C>G on the plus strand (G>C on the coding strand, the complement: NOTCH1 is on the minus strand). VCF-style: chr9-136496710-C-G. GRCh37 (hg19) VCF-style: chr9-139391162-C-G.
Other names: short protein forms Q2343H.
Identifiers: ClinVar variation 2846317 (VCV002846317.3), dbSNP rs2540421252, ClinGen allele CA375629201.